The following is an entry in ClinVar:

NM_004036.5(ADCY3):c.1419C>T (p.Gly473=)

Gene: ADCY3 (adenylate cyclase 3; minus strand). Cytogenetic location: 2p23.3.
Variant type: single nucleotide variant.
Coding change: c.1419C>T on transcript NM_004036.5 (MANE Select); coding-DNA position 1419, C replaced by T.
Protein change: p.Gly473=; no amino-acid change (glycine 473 retained).
Molecular consequence: synonymous variant.
Genome position (GRCh38, 1-based): chr2:24,838,559, G>A on the plus strand (C>T on the coding strand, the complement: ADCY3 is on the minus strand). VCF-style: chr2-24838559-G-A. GRCh37 (hg19) VCF-style: chr2-25061428-G-A.
Other names: c.1419C>T, p.Gly473= (NM_001320613.2, NM_001377129.1, NM_001377130.1 and 1 more transcripts); c.1485C>T, p.Gly495= (NM_001377128.1); c.696C>T, p.Gly232= (NM_001377131.1).
Identifiers: ClinVar variation 3350750 (VCV003350750.1).

ClinVar aggregate classification (germline): Likely benign (0 of 4 stars; one submission).

Conditions:
ADCY3-related disorder. Also called: ADCY3-related condition.

gnomAD v4.1: 78 of 1,613,990 alleles (0.0048%); highest among the groups gnomAD compares: Admixed American, 0.055%; 2 homozygotes.

Submission:

PreventionGenetics, part of Exact Sciences
Classification: Likely benign for ADCY3-related condition. Last evaluated: 2024-03-20. Review status: no assertion criteria provided. Collection method: clinical testing. Allele origin: germline.
Comment: This variant is classified as likely benign based on ACMG/AMP sequence variant interpretation guidelines (Richards et al. 2015 PMID: 25741868, with internal and published modifications).